The following is an entry in ClinVar:

ClinVar aggregate classification (germline): Uncertain significance (1 of 4 stars; one submission).

Submission:

GeneDx
Classification: Uncertain significance. Last evaluated: 2025-10-14. Review status: criteria provided, single submitter. Criteria: GeneDx Variant Classification Process June 2021. Collection method: clinical testing. Allele origin: germline.
Comment: Not observed at significant frequency in large population cohorts (gnomAD); In silico analysis supports that this missense variant does not alter protein structure/function; Has not been previously published as pathogenic or benign to our knowledge

NM_015981.4(CAMK2A):c.997A>C (p.Ser333Arg)

Gene: CAMK2A (calcium/calmodulin dependent protein kinase II alpha; minus strand). Cytogenetic location: 5q32.
Variant type: single nucleotide variant.
Coding change: c.997A>C on transcript NM_015981.4 (MANE Select); coding-DNA position 997, A replaced by C.
Protein change: p.Ser333Arg; replaces serine 333 with arginine.
Molecular consequence: missense variant. On other transcripts: intron variant (3).
Genome position (GRCh38, 1-based): chr5:150,239,724, T>G on the plus strand (A>C on the coding strand, the complement: CAMK2A is on the minus strand). VCF-style: chr5-150239724-T-G. GRCh37 (hg19) VCF-style: chr5-149619287-T-G.
Other names: c.997A>C, p.Ser333Arg (NM_001363989.1); c.985-976A>C (NM_001363990.1, NM_171825.3, NM_001369025.2); short protein forms S333R.
Identifiers: ClinVar variation 1804243 (VCV001804243.2), dbSNP rs2532281654, ClinGen allele CA361746063.